The following is an entry in ClinVar:

ClinVar aggregate classification (germline): Conflicting classifications of pathogenicity. Review status: criteria provided, conflicting classifications (1 of 4 stars). 3 submissions from 3 submitters: Uncertain significance (1); Likely benign (2). Last evaluated 2026-06-01.

Conditions:
Inborn genetic diseases. Identifiers: MedGen C0950123, MeSH D030342.

Allele frequency attached by ClinVar (database versions not stated): ESP Exome Variant Server 0.00008; ExAC 0.00015; gnomAD 0.00015 and 0.00016; TOPMed 0.00015; 1000 Genomes Project 30x 0.00016; 1000 Genomes Project 0.00020.
gnomAD v4.1: 381 of 1,613,604 alleles (0.024%); highest among the groups gnomAD compares: Non-Finnish European, 0.029%; 2 homozygotes.

Submissions (3):

CeGaT Center for Human Genetics Tuebingen
Classification: Likely benign. Last evaluated: 2026-06-01. Review status: criteria provided, single submitter. Criteria: CeGaT Center For Human Genetics Tuebingen Variant Classification Criteria Version 2. Collection method: clinical testing. Allele origin: germline. Affected: yes. Observed: 1 variant allele.
Comment: PIGB: BS2

Labcorp Genetics (formerly Invitae), Labcorp
Classification: Likely benign. Last evaluated: 2025-11-11. Review status: criteria provided, single submitter. Criteria: Invitae Variant Classification Sherloc (09022015). Collection method: clinical testing. Allele origin: germline.

Ambry Genetics
Classification: Uncertain significance for Inborn genetic diseases. Last evaluated: 2024-07-09. Review status: criteria provided, single submitter. Criteria: Ambry Variant Classification Scheme 2023. Collection method: clinical testing. Allele origin: germline.

NM_004855.5(PIGB):c.1379C>T (p.Pro460Leu)

Gene: PIGB (phosphatidylinositol glycan anchor biosynthesis class B; plus strand). Cytogenetic location: 15q21.3.
Variant type: single nucleotide variant.
Coding change: c.1379C>T on transcript NM_004855.5 (MANE Select); coding-DNA position 1379, C replaced by T.
Protein change: p.Pro460Leu; replaces proline 460 with leucine.
Molecular consequence: missense variant.
Genome position (GRCh38, 1-based): chr15:55,354,839, C>T. VCF-style: chr15-55354839-C-T. GRCh37 (hg19) VCF-style: chr15-55647037-C-T.
Other names: c.1379C>T (NM_004855.4); short protein forms P460L.
Identifiers: ClinVar variation 1570269 (VCV001570269.11), dbSNP rs377161481, ClinGen allele CA7574089.